The following is an entry in ClinVar:

NM_144670.6(A2ML1):c.2234+62A>G

Gene: A2ML1 (alpha-2-macroglobulin like 1; plus strand). Cytogenetic location: 12p13.31.
Variant type: single nucleotide variant.
Coding change: c.2234+62A>G on transcript NM_144670.6 (MANE Select); 62 bases into the intron after coding-DNA position 2234, A replaced by G.
Molecular consequence: intron variant.
Genome position (GRCh38, 1-based): chr12:8,850,336, A>G. VCF-style: chr12-8850336-A-G. GRCh37 (hg19) VCF-style: chr12-9002932-A-G.
Other names: c.761+62A>G (NM_001282424.3).
Identifiers: ClinVar variation 561561 (VCV000561561.2), dbSNP rs6487407, ClinGen allele CA13613194.

ClinVar aggregate classification (germline): Benign. Review status: criteria provided, multiple submitters, no conflicts (2 of 4 stars). 2 submissions from 2 submitters: Benign (2). Last evaluated 2018-06-19.

Allele frequency attached by ClinVar (database versions not stated): 1000 Genomes Project 0.15555; gnomAD exomes 0.15973; 1000 Genomes Project 30x 0.16412; gnomAD 0.20544 and 0.21519; TOPMed 0.20671.
gnomAD v4.1: 218,006 of 1,326,482 alleles (16%); highest among the groups gnomAD compares: African/African-American, 35%; 21,121 homozygotes.

Submissions (2):

GeneDx
Classification: Benign. Last evaluated: 2018-06-19. Review status: criteria provided, single submitter. Criteria: GeneDx Variant Classification (06012015). Collection method: clinical testing. Allele origin: germline. Affected: yes.
Comment: This variant is considered likely benign or benign based on one or more of the following criteria: it is a conservative change, it occurs at a poorly conserved position in the protein, it is predicted to be benign by multiple in silico algorithms, and/or has population frequency not consistent with disease.

Breakthrough Genomics
Classification: Benign. Review status: criteria provided, single submitter. Criteria: ACMG Guidelines, 2015. Collection method: not provided. Allele origin: germline. Inheritance: Autosomal dominant inheritance. Affected: yes.